The following is an entry in ClinVar:

NM_000051.4(ATM):c.5324T>A (p.Leu1775Ter)

Gene: ATM (ATM serine/threonine kinase; plus strand). Cytogenetic location: 11q22.3.
Variant type: single nucleotide variant.
Coding change: c.5324T>A on transcript NM_000051.4 (MANE Select); coding-DNA position 5324, T replaced by A.
Protein change: p.Leu1775Ter; replaces leucine 1775 with a stop codon.
Molecular consequence: nonsense.
Genome position (GRCh38, 1-based): chr11:108,302,857, T>A. VCF-style: chr11-108302857-T-A. GRCh37 (hg19) VCF-style: chr11-108173584-T-A.
Other names: c.5324T>A, p.Leu1775Ter (NM_001351834.2); short protein forms L1775*.
Identifiers: ClinVar variation 3325498 (VCV003325498.1).

ClinVar aggregate classification (germline): Pathogenic (1 of 4 stars; one submission).

Conditions:
Hereditary cancer-predisposing syndrome. Also called: Neoplastic Syndromes, Hereditary; Tumor predisposition; Hereditary neoplastic syndrome; Hereditary Cancer Syndrome. Identifiers: Orphanet 140162, MedGen C0027672, MeSH D009386, MONDO:0015356.

Submission:

Ambry Genetics
Classification: Pathogenic for Hereditary cancer-predisposing syndrome. Last evaluated: 2024-05-01. Review status: criteria provided, single submitter. Criteria: Ambry Variant Classification Scheme 2023. Collection method: clinical testing. Allele origin: germline.
Comment: The p.L1775* pathogenic mutation (also known as c.5324T>A), located in coding exon 35 of the ATM gene, results from a T to A substitution at nucleotide position 5324. This changes the amino acid from a leucine to a stop codon within coding exon 35. This variant is considered to be rare based on population cohorts in the Genome Aggregation Database (gnomAD). This alteration is expected to result in loss of function by premature protein truncation or nonsense-mediated mRNA decay. As such, this alteration is interpreted as a disease-causing mutation.